The following is an entry in ClinVar:

ClinVar aggregate classification (germline): Uncertain significance (1 of 4 stars; one submission).

Submission:

Labcorp Genetics (formerly Invitae), Labcorp
Classification: Uncertain significance. Last evaluated: 2025-08-06. Review status: criteria provided, single submitter. Criteria: Invitae Variant Classification Sherloc (09022015). Collection method: clinical testing. Allele origin: germline.
Comment: This sequence change replaces leucine, which is neutral and non-polar, with phenylalanine, which is neutral and non-polar, at codon 488 of the CACNA1E protein (p.Leu488Phe). This variant is not present in population databases (gnomAD no frequency). This variant has not been reported in the literature in individuals affected with CACNA1E-related conditions. Invitae Evidence Modeling of protein sequence and biophysical properties (such as structural, functional, and spatial information, amino acid conservation, physicochemical variation, residue mobility, and thermodynamic stability) has been performed for this missense variant. However, the output from this modeling did not meet the statistical confidence thresholds required to predict the impact of this variant on CACNA1E protein function. In summary, the available evidence is currently insufficient to determine the role of this variant in disease. Therefore, it has been classified as a Variant of Uncertain Significance.

NM_001205293.3(CACNA1E):c.1462C>T (p.Leu488Phe)

Gene: CACNA1E (calcium voltage-gated channel subunit alpha1 E; plus strand). Cytogenetic location: 1q25.3.
Variant type: single nucleotide variant.
Coding change: c.1462C>T on transcript NM_001205293.3 (MANE Select); coding-DNA position 1462, C replaced by T.
Protein change: p.Leu488Phe; replaces leucine 488 with phenylalanine.
Molecular consequence: missense variant.
Genome position (GRCh38, 1-based): chr1:181,717,239, C>T. VCF-style: chr1-181717239-C-T. GRCh37 (hg19) VCF-style: chr1-181686375-C-T.
Other names: c.1462C>T, p.Leu488Phe (NM_000721.4, NM_001205294.2); short protein forms L488F.
Identifiers: ClinVar variation 4799985 (VCV004799985.1).